The following is an entry in ClinVar:

NM_002226.5(JAG2):c.2374G>A (p.Asp792Asn)

Gene: JAG2 (jagged canonical Notch ligand 2; minus strand). Cytogenetic location: 14q32.33.
Variant type: single nucleotide variant.
Coding change: c.2374G>A on transcript NM_002226.5 (MANE Select); coding-DNA position 2374, G replaced by A.
Protein change: p.Asp792Asn; replaces aspartic acid 792 with asparagine.
Molecular consequence: missense variant.
Genome position (GRCh38, 1-based): chr14:105,147,519, C>T on the plus strand (G>A on the coding strand, the complement: JAG2 is on the minus strand). VCF-style: chr14-105147519-C-T. GRCh37 (hg19) VCF-style: chr14-105613856-C-T.
Other names: c.2260G>A, p.Asp754Asn (NM_145159.3); short protein forms D792N, D754N.
Identifiers: ClinVar variation 4983020 (VCV004983020.1).

ClinVar aggregate classification (germline): Uncertain significance (1 of 4 stars; one submission).

Conditions:
JAG2-related disorder. Also called: JAG2-related condition.

gnomAD v4.1: 12 of 1,612,208 alleles (0.00074%); highest among the groups gnomAD compares: East Asian, 0.0022%; no homozygotes.

Submission:

PreventionGenetics, part of Exact Sciences
Classification: Uncertain significance for JAG2-related condition. Last evaluated: 2025-09-12. Review status: criteria provided, single submitter. Criteria: ACMG Guidelines, 2015. Collection method: clinical testing. Allele origin: germline.
Comment: The JAG2 c.2374G>A variant is predicted to result in the amino acid substitution p.Asp792Asn. To our knowledge, this variant has not been reported in the literature. This variant is reported in 0.0055% of alleles in individuals of East Asian descent in gnomAD. At this time, the clinical significance of this variant is uncertain due to the absence of conclusive functional and genetic evidence.